The following is an entry in ClinVar:

NM_006790.3(MYOT):c.350A>G (p.Asp117Gly)

Genes: PKD2L2-DT (PKD2L2 divergent transcript; minus strand), MYOT (myotilin; plus strand). Cytogenetic location: 5q31.2.
Variant type: single nucleotide variant.
Coding change: c.350A>G on transcript NM_006790.3 (MANE Select); coding-DNA position 350, A replaced by G.
Protein change: p.Asp117Gly; replaces aspartic acid 117 with glycine.
Molecular consequence: missense variant. On other transcripts: intron variant (1).
Genome position (GRCh38, 1-based): chr5:137,871,001, A>G. VCF-style: chr5-137871001-A-G. GRCh37 (hg19) VCF-style: chr5-137206690-A-G.
Other names: c.5A>G, p.Asp2Gly (NM_001300911.2); c.-197+476A>G (NM_001135940.2); short protein forms D117G, D2G.
Identifiers: ClinVar variation 3679893 (VCV003679893.2).

ClinVar aggregate classification (germline): Uncertain significance (1 of 4 stars; one submission).

Conditions:
Myofibrillar myopathy 3 (MFM3). Also called: Muscular dystrophy, proximal, type 1A; Autosomal dominant spheroid body myopathy. Identifiers: Orphanet 266, Orphanet 268129, MedGen C3714934, MONDO:0012215, OMIM 609200.

gnomAD v4.1: 2 of 1,612,560 alleles (0.00012%); highest among the groups gnomAD compares: Admixed American, 0.0017%; no homozygotes.

Submission:

Labcorp Genetics (formerly Invitae), Labcorp
Classification: Uncertain significance for Myofibrillar myopathy 3. Last evaluated: 2024-04-25. Review status: criteria provided, single submitter. Criteria: Invitae Variant Classification Sherloc (09022015). Collection method: clinical testing. Allele origin: germline.
Comment: This sequence change replaces aspartic acid, which is acidic and polar, with glycine, which is neutral and non-polar, at codon 117 of the MYOT protein (p.Asp117Gly). This variant is not present in population databases (gnomAD no frequency). This variant has not been reported in the literature in individuals affected with MYOT-related conditions. An algorithm developed to predict the effect of missense changes on protein structure and function (PolyPhen-2) suggests that this variant is likely to be tolerated. In summary, the available evidence is currently insufficient to determine the role of this variant in disease. Therefore, it has been classified as a Variant of Uncertain Significance.